The following is an entry in ClinVar:

ClinVar aggregate classification (germline): Pathogenic/Likely pathogenic. Review status: criteria provided, multiple submitters, no conflicts (2 of 4 stars). 5 submissions from 5 submitters: Pathogenic (3); Likely pathogenic (2). Last evaluated 2024-03-19.

Conditions:
Merosin deficient congenital muscular dystrophy (MDC1A). Also called: Congenital Muscular Dystrophy Type 1A (MDC1A); Congenital merosin-deficient muscular dystrophy 1A. Identifiers: Orphanet 258, MedGen C1263858, MONDO:0011925, OMIM 607855.

Submissions (5):

Baylor Genetics
Classification: Pathogenic for Merosin deficient congenital muscular dystrophy. Last evaluated: 2024-03-19. Review status: criteria provided, single submitter. Criteria: ACMG Guidelines, 2015. Collection method: clinical testing. Allele origin: unknown.

Revvity Omics, Revvity
Classification: Likely pathogenic. Last evaluated: 2022-12-05. Review status: criteria provided, single submitter. Criteria: ACMG Guidelines, 2015. Collection method: clinical testing. Allele origin: germline.

CeGaT Center for Human Genetics Tuebingen
Classification: Pathogenic. Last evaluated: 2022-05-01. Review status: criteria provided, single submitter. Criteria: CeGaT Center For Human Genetics Tuebingen Variant Classification Criteria Version 2. Collection method: clinical testing. Allele origin: germline. Affected: yes. Observed: 1 variant allele.
Comment: LAMA2: PVS1, PM2

GeneDx
Classification: Pathogenic. Last evaluated: 2020-12-21. Review status: criteria provided, single submitter. Criteria: GeneDx Variant Classification Process June 2021. Collection method: clinical testing. Allele origin: germline. Affected: yes.
Comment: Frameshift variant predicted to result in protein truncation or nonsense mediated decay in a gene for which loss-of-function is a known mechanism of disease; Not observed in large population cohorts (Lek et al., 2016); This variant is associated with the following publications: (PMID: 30055037, 27124789, 33101984, 31130284)

Genomic Medicine Center of Excellence, King Faisal Specialist Hospital and Research Centre
Classification: Likely pathogenic. Review status: criteria provided, single submitter. Criteria: ACMG Guidelines, 2015. Collection method: research. Allele origin: germline. Affected: yes.

NM_000426.4(LAMA2):c.1762del (p.Ala588fs)

Gene: LAMA2 (laminin subunit alpha 2; plus strand). Cytogenetic location: 6q22.33.
Variant type: Deletion.
Coding change: c.1762del on transcript NM_000426.4 (MANE Select); coding-DNA position 1762, one base deleted (G; older notation c.1762delG).
Protein change: p.Ala588fs; shifts the reading frame from alanine 588.
Molecular consequence: frameshift variant.
Genome position (GRCh38, 1-based): chr6:129,192,833, G deleted; the last of 2 consecutive G bases (chr6:129,192,832-129,192,833); deleting either gives the same sequence. VCF-style (leftmost placement, unchanged base first): chr6-129192831-CG-C. GRCh37 (hg19) VCF-style: chr6-129513976-CG-C.
Other names: c.1762delG (NM_000426.3); c.1762del, p.Ala588fs (NM_001079823.2); short protein forms A588fs.
Identifiers: ClinVar variation 191334 (VCV000191334.37), dbSNP rs786205654, ClinGen allele CA236452.
Genomic context (GRCh38, chr6:129,192,831, plus strand): 5'-TCAGCATCAGTAACGCGGAGGCCCGGCAAGCCCTGCCGCACAGCTACTACTGGAGCGCGC[CG>C]GCTCCCTATCTGGGAAACAAAGTAAGTCCACGCTTGCTTCCCGCTATTCTGCTTTAACTG-3'